The following is an entry in ClinVar:

ClinVar aggregate classification (germline): Uncertain significance. Review status: reviewed by expert panel (3 of 4 stars). 2 submissions from 2 submitters: Uncertain significance (1). 1 of the submissions does not count toward it. Last evaluated 2024-01-22.

Conditions:
HNF4A-related disorder. Also called: HNF4A-related condition.
Monogenic diabetes. Identifiers: Orphanet 183625, MedGen C3888631, MONDO:0015967.

Submissions (2):

ClinGen Monogenic Diabetes Variant Curation Expert Panel
Classification: Uncertain significance for Monogenic diabetes. Last evaluated: 2024-01-22. Review status: reviewed by expert panel. Criteria: ClinGen Diabetes ACMG Specifications HNF4A V2.0.0. Collection method: curation. Allele origin: germline. Inheritance: Autosomal dominant inheritance.
Comment: The c.937G>A variant in the HNF4 homeobox A gene, HNF4A, causes an amino acid change of glycine to arginine at codon 313 (p.(Gly313Arg)) of NM_175914.5. This variant is absent from gnomAD 2.1.1 (PM2_Supporting). This variant is predicted to be deleterious by computational evidence, with a REVEL score of 0.991 (PP3). This variant is located within the ligand binding of HNF4A, which is critical for the protein’s function (PM1_Supporting). This variant was identified in one individual with diabetes; however this number does not meet the MDEP cutoff for PS4_Moderate. Another missense variant, c.938G>T p.Gly313Val, has been classified as likely pathogenic by the ClinGen MDEP (PM5_Supporting). In summary, c.937G>A meets the criteria to be classified as a variant of uncertain significance for monogenic diabetes. ACMG/AMP criteria applied, as specified by the ClinGen MDEP (specification version 2.0.0, approved 10/11/2023): PM2_Supporting, PM1_Supporting, PP3, PM5_Supporting.

PreventionGenetics, part of Exact Sciences
Classification: Uncertain significance for HNF4A-related condition. Last evaluated: 2023-07-19. Review status: criteria provided, single submitter. Criteria: ACMG Guidelines, 2015. Collection method: clinical testing. Allele origin: germline. Not counted in ClinVar's aggregate classification.
Comment: The HNF4A c.937G>A variant is predicted to result in the amino acid substitution p.Gly313Arg. This variant has been reported in an individual, described as G326R, with suspected maturity-onset diabetes of the young (MODY; Table 1, Raeder et al. 2006. PubMed ID: 16731861). This variant has not been reported in a large population database, indicating this variant is rare. An alternate nucleotide change affecting the same amino acid (p.Gly313Val) has been reported in a family with MODY (Table S2, Colclough et al. 2013. PubMed ID: 23348805). Although we suspect that the c.937G>A (p.Gly313Arg) variant may be pathogenic, at this time, the clinical significance of this variant is uncertain due to the absence of conclusive functional and genetic evidence.

NM_175914.5(HNF4A):c.937G>A (p.Gly313Arg)

Gene: HNF4A (hepatocyte nuclear factor 4 alpha; plus strand). Cytogenetic location: 20q13.12.
Variant type: single nucleotide variant.
Coding change: c.937G>A on transcript NM_175914.5 (MANE Select); coding-DNA position 937, G replaced by A.
Protein change: p.Gly313Arg; replaces glycine 313 with arginine.
Molecular consequence: missense variant.
Genome position (GRCh38, 1-based): chr20:44,424,128, G>A. VCF-style: chr20-44424128-G-A. GRCh37 (hg19) VCF-style: chr20-43052768-G-A.
Other names: NM_175914.5:c.937G>A; c.1003G>A, p.Gly335Arg (NM_000457.6, NM_178849.3, NM_178850.3); c.937G>A, p.Gly313Arg (NM_001030003.3, NM_001030004.3); c.982G>A, p.Gly328Arg (NM_001258355.2); c.928G>A, p.Gly310Arg (NM_001287182.2, NM_001287183.2, NM_001287184.2); short protein forms G310R, G313R, G328R, G335R.
Identifiers: ClinVar variation 2631495 (VCV002631495.1), dbSNP rs2515714217, ClinGen allele CA409108291.